The following is an entry in ClinVar:

ClinVar aggregate classification (germline): Likely pathogenic (1 of 4 stars; one submission).

Submission:

Laboratorio de Genetica e Diagnostico Molecular, Hospital Israelita Albert Einstein
Classification: Likely pathogenic. Last evaluated: 2020-11-06. Review status: criteria provided, single submitter. Criteria: ACMG Guidelines, 2015. Collection method: clinical testing. Allele origin: germline. Affected: yes.
Comment: ACMG classification criteria: PVS1, PM2

NM_014795.4(ZEB2):c.73+2T>G

Gene: ZEB2 (zinc finger E-box binding homeobox 2; minus strand). Cytogenetic location: 2q22.3.
Variant type: single nucleotide variant.
Coding change: c.73+2T>G on transcript NM_014795.4 (MANE Select); the canonical splice donor site of the intron after coding-DNA position 73, T replaced by G.
Molecular consequence: splice donor variant.
Genome position (GRCh38, 1-based): chr2:144,517,276, A>C on the plus strand (T>G on the coding strand, the complement: ZEB2 is on the minus strand). VCF-style: chr2-144517276-A-C. GRCh37 (hg19) VCF-style: chr2-145274843-A-C.
Other names: c.73+2T>G (NM_001171653.2).
Identifiers: ClinVar variation 1690972 (VCV001690972.2), dbSNP rs398124282, ClinGen allele CA348858288.
Genomic context (GRCh38, chr2:144,517,276, plus strand): 5'-CTTCTCCCTGGGTCTCGAGCCGCGTAGTGGCCCGGAAAAGTTTGGTTCGGGCTGCTTCTT[A>C]CCGTTTTTCCTCCTGGGATTGGCTTGTTTGCGCCTCTTGCACCGGGGGCCATCCGCCATG-3'